The following is an entry in ClinVar:

ClinVar aggregate classification (germline): Uncertain significance (1 of 4 stars; one submission).

Conditions:
Cardiomyopathy (CMYO). Also called: Cardiomyopathies. Identifiers: Orphanet 167848, MedGen C0878544, MONDO:0004994, HP:0001638. Inheritance: Various modes of inheritance.

gnomAD v4.1: 1 of 1,614,134 alleles (0.000062%); highest among the groups gnomAD compares: Non-Finnish European, 0.000085%; no homozygotes.

Submission:

Color Diagnostics, LLC DBA Color Health
Classification: Uncertain significance for Cardiomyopathy. Last evaluated: 2025-09-11. Review status: criteria provided, single submitter. Criteria: ACMG Guidelines, 2015. Collection method: clinical testing. Allele origin: germline.
Comment: This missense variant replaces glycine with aspartic acid at codon 854 of the DSP protein. Computational prediction suggests that this variant may not impact protein structure and function. To our knowledge, functional studies have not been reported for this variant. This variant has not been reported in individuals affected with DSP-related disorders in the literature. This variant has not been identified in the general population by the Genome Aggregation Database (gnomAD). The available evidence is insufficient to determine the role of this variant in disease conclusively. Therefore, this variant is classified as a Variant of Uncertain Significance.

NM_004415.4(DSP):c.2561G>A (p.Gly854Asp)

Gene: DSP (desmoplakin; plus strand). Cytogenetic location: 6p24.3.
Variant type: single nucleotide variant.
Coding change: c.2561G>A on transcript NM_004415.4 (MANE Select); coding-DNA position 2561, G replaced by A.
Protein change: p.Gly854Asp; replaces glycine 854 with aspartic acid.
Molecular consequence: missense variant.
Genome position (GRCh38, 1-based): chr6:7,575,419, G>A. VCF-style: chr6-7575419-G-A. GRCh37 (hg19) VCF-style: chr6-7575652-G-A.
Other names: c.2561G>A, p.Gly854Asp (NM_001008844.3, NM_001319034.2); short protein forms G854D.
Identifiers: ClinVar variation 4756453 (VCV004756453.1).